The following is an entry in ClinVar:

NM_001113378.2(FANCI):c.2212A>G (p.Lys738Glu)

Gene: FANCI (FA complementation group I; plus strand). Cytogenetic location: 15q26.1.
Variant type: single nucleotide variant.
Coding change: c.2212A>G on transcript NM_001113378.2 (MANE Select); coding-DNA position 2212, A replaced by G.
Protein change: p.Lys738Glu; replaces lysine 738 with glutamic acid.
Molecular consequence: missense variant.
Genome position (GRCh38, 1-based): chr15:89,292,984, A>G. VCF-style: chr15-89292984-A-G. GRCh37 (hg19) VCF-style: chr15-89836215-A-G.
Other names: c.1933A>G, p.Lys645Glu (NM_001376910.1); c.2212A>G, p.Lys738Glu (NM_001376911.1, NM_018193.3); short protein forms K645E, K738E.
Identifiers: ClinVar variation 1408892 (VCV001408892.7), dbSNP rs1423332049, ClinGen allele CA393749351.

ClinVar aggregate classification (germline): Uncertain significance (1 of 4 stars; one submission).

Conditions:
Fanconi anemia (FA). Also called: Fanconi's anemia. Identifiers: Orphanet 84, MedGen C0015625, MeSH D005199, MONDO:0019391.

Allele frequency attached by ClinVar (database versions not stated): gnomAD 0.00001; TOPMed 0.00001.
gnomAD v4.1: 1 of 1,613,976 alleles (0.000062%); highest among the groups gnomAD compares: Non-Finnish European, 0.000085%; no homozygotes.

Submission:

Labcorp Genetics (formerly Invitae), Labcorp
Classification: Uncertain significance for Fanconi anemia. Last evaluated: 2024-04-23. Review status: criteria provided, single submitter. Criteria: Invitae Variant Classification Sherloc (09022015). Collection method: clinical testing. Allele origin: germline.
Comment: This sequence change replaces lysine, which is basic and polar, with glutamic acid, which is acidic and polar, at codon 738 of the FANCI protein (p.Lys738Glu). This variant is not present in population databases (gnomAD no frequency). This variant has not been reported in the literature in individuals affected with FANCI-related conditions. ClinVar contains an entry for this variant (Variation ID: 1408892). Advanced modeling of protein sequence and biophysical properties (such as structural, functional, and spatial information, amino acid conservation, physicochemical variation, residue mobility, and thermodynamic stability) performed at Invitae indicates that this missense variant is expected to disrupt FANCI protein function with a positive predictive value of 80%. In summary, the available evidence is currently insufficient to determine the role of this variant in disease. Therefore, it has been classified as a Variant of Uncertain Significance.